The following is an entry in ClinVar:

NM_003098.3(SNTA1):c.677G>A (p.Cys226Tyr)

Gene: SNTA1 (syntrophin alpha 1; minus strand). Cytogenetic location: 20q11.21.
Variant type: single nucleotide variant.
Coding change: c.677G>A on transcript NM_003098.3 (MANE Select); coding-DNA position 677, G replaced by A.
Protein change: p.Cys226Tyr; replaces cysteine 226 with tyrosine.
Molecular consequence: missense variant.
Genome position (GRCh38, 1-based): chr20:33,417,743, C>T on the plus strand (G>A on the coding strand, the complement: SNTA1 is on the minus strand). VCF-style: chr20-33417743-C-T. GRCh37 (hg19) VCF-style: chr20-32005549-C-T.
Other names: p.C226Y:TGC>TAC; short protein forms C226Y.
Identifiers: ClinVar variation 190911 (VCV000190911.15), dbSNP rs34479952, ClinGen allele CA302264.
Genomic context (GRCh38, chr20:33,417,743, plus strand): 5'-TCTGTCCATCTGAGTTGCTCCCAACCCCAGCCTTACCTGGGCTCCGGGTCATTGGGGGTG[C>T]ACCTCTTCGAGACATATGCCATCTTCAAGGACATGTGTTTGGCCTCGCTGAAGTTCCGGG-3'
Protein context (NP_003089.1, residues 216-236): SLKMAYVSKR[Cys226Tyr]TPNDPEPRYL

ClinVar aggregate classification (germline): Conflicting classifications of pathogenicity. Review status: criteria provided, conflicting classifications (1 of 4 stars). 5 submissions from 5 submitters: Uncertain significance (1); Benign (1); Likely benign (2). 1 of the submissions does not count toward it. Last evaluated 2025-12-19.

Conditions:
Long QT syndrome (LQTS). Identifiers: MedGen C0023976, MeSH D008133, MONDO:0002442. Disease mechanism: loss of function. Inheritance: Various modes of inheritance.
SNTA1-related disorder. Also called: SNTA1-related condition.
Cardiovascular phenotype. Identifiers: MedGen CN230736.

Allele frequency attached by ClinVar (database versions not stated): 1000 Genomes Project 0.00160; gnomAD exomes 0.00005 and 0.00013; ExAC 0.00012; ESP Exome Variant Server 0.00031; gnomAD 0.00037 and 0.00041; TOPMed 0.00049; 1000 Genomes Project 30x 0.00125.
gnomAD v4.1: 155 of 1,614,082 alleles (0.0096%); highest among the groups gnomAD compares: Middle Eastern, 0.15%; 2 homozygotes.

Submissions (5):

Labcorp Genetics (formerly Invitae), Labcorp
Classification: Uncertain significance for Long QT syndrome. Last evaluated: 2025-12-19. Review status: criteria provided, single submitter. Criteria: Invitae Variant Classification Sherloc (09022015). Collection method: clinical testing. Allele origin: germline.
Comment: This sequence change replaces cysteine, which is neutral and slightly polar, with tyrosine, which is neutral and polar, at codon 226 of the SNTA1 protein (p.Cys226Tyr). This variant is present in population databases (rs34479952, gnomAD 0.1%), and has an allele count higher than expected for a pathogenic variant. This variant has not been reported in the literature in individuals affected with SNTA1-related conditions. ClinVar contains an entry for this variant (Variation ID: 190911). Invitae Evidence Modeling of protein sequence and biophysical properties (such as structural, functional, and spatial information, amino acid conservation, physicochemical variation, residue mobility, and thermodynamic stability) indicates that this missense variant is not expected to disrupt SNTA1 protein function with a negative predictive value of 80%. In summary, the available evidence is currently insufficient to determine the role of this variant in disease. Therefore, it has been classified as a Variant of Uncertain Significance.

GeneDx
Classification: Likely benign. Last evaluated: 2021-03-08. Review status: criteria provided, single submitter. Criteria: GeneDx Variant Classification Process June 2021. Collection method: clinical testing. Allele origin: germline. Affected: yes.

Ambry Genetics
Classification: Likely benign for Cardiovascular phenotype. Last evaluated: 2019-07-05. Review status: criteria provided, single submitter. Criteria: Ambry Variant Classification Scheme 2023. Collection method: clinical testing. Allele origin: germline.

Women's Health and Genetics/Laboratory Corporation of America, LabCorp
Classification: Benign. Last evaluated: 2018-05-08. Review status: criteria provided, single submitter. Criteria: LabCorp Variant Classification Summary - May 2015. Collection method: clinical testing. Allele origin: germline.
Comment: Variant summary: SNTA1 c.677G>A (p.Cys226Tyr) results in a non-conservative amino acid change located in the Pleckstrin homology domain of the encoded protein sequence. Three of five in-silico tools predict a damaging effect of the variant on protein function. The observed variant frequency within African control individuals in the gnomAD database is approximately 96 fold of the estimated maximal expected allele frequency for a pathogenic variant in SNTA1 causing Arrhythmia phenotype (1e-05), strongly suggesting that the variant is a benign polymorphism found primarily in populations of African origin. To our knowledge, no occurrence of c.677G>A in individuals affected with Arrhythmia and no experimental evidence demonstrating its impact on protein function have been reported. Co-occurrences with other pathogenic variant(s) have been reported (KCNH2 c.1841C>T, p.A614V), providing supporting evidence for a benign role. Two clinical diagnostic laboratories have submitted clinical-significance assessments for this variant to ClinVar after 2014 without evidence for independent evaluation. All laboratories classified the variant as uncertain significance. Based on the evidence outlined above, the variant was classified as benign.

PreventionGenetics, part of Exact Sciences
Classification: Likely benign for SNTA1-related condition. Last evaluated: 2023-11-20. Review status: no assertion criteria provided. Collection method: clinical testing. Allele origin: germline. Not counted in ClinVar's aggregate classification.
Comment: This variant is classified as likely benign based on ACMG/AMP sequence variant interpretation guidelines (Richards et al. 2015 PMID: 25741868, with internal and published modifications).